The following is an entry in ClinVar:

ClinVar aggregate classification (germline): Likely pathogenic (1 of 4 stars; one submission).

Conditions:
TBX1-related disorder. Also called: TBX1-Related Disorders; TBX1-related condition.

Submission:

PreventionGenetics, part of Exact Sciences
Classification: Likely pathogenic for TBX1-related condition. Last evaluated: 2026-05-29. Review status: criteria provided, single submitter. Criteria: ACMG Guidelines, 2015. Collection method: clinical testing. Allele origin: germline.
Comment: The TBX1 c.1305delC variant is predicted to result in a frameshift and premature protein termination (p.Tyr436Thrfs*24). This variant occurs in the last exon of TBX1 (NM_080647) and is not predicted to undergo nonsense mediated decay. To our knowledge, this variant has not been reported in the literature or in a large population database, indicating this variant is rare. However, another frameshift variant predicted to result in a similar protein termination (c.1253delA, p.Tyr418Phefs*42) has been reported in five family members with craniofacial features and in some patients hypoparathyroidism (Ogata. 2014. PubMed ID: 24637876). Another frameshift variant in this region (c.1158_1159delinsT, p.Gly387Alafs*73) has also been reported in four family members with hypoparathyroidism, hearing loss, and craniofacial features (Alghamdi. 2020. PubMed ID: 32110744). These variants are predicted to disrupt the nuclear localization signal (residues 430-441) and transactivation domain (residues 409-495) (Ogata. 2014. PubMed ID: 24637876; Alghamdi. 2020. PubMed ID: 32110744). This variant is interpreted as likely pathogenic.

NM_001379200.1(TBX1):c.1332del (p.Tyr445fs)

Gene: TBX1 (T-box transcription factor 1; plus strand). Cytogenetic location: 22q11.21.
Variant type: Deletion.
Coding change: c.1332del on transcript NM_001379200.1 (MANE Select); coding-DNA position 1332, one base deleted (C; older notation c.1332delC).
Protein change: p.Tyr445fs; shifts the reading frame from tyrosine 445.
Molecular consequence: frameshift variant. On other transcripts: intron variant (2).
Genome position (GRCh38, 1-based): chr22:19,766,684, C deleted; the last of 3 consecutive C bases (chr22:19,766,682-19,766,684); deleting any one gives the same sequence. VCF-style (leftmost placement, unchanged base first): chr22-19766681-GC-G. GRCh37 (hg19) VCF-style: chr22-19754204-GC-G.
Other names: c.1305del, p.Tyr436fs (NM_080647.1); c.1009+682del (NM_005992.1, NM_080646.2); c.1305delC (NM_080647.1); short protein forms Y436fs, Y445fs.
Identifiers: ClinVar variation 4989891 (VCV004989891.1).
Genomic context (GRCh38, chr22:19,766,681, plus strand): 5'-CCCCTACAAATATCCGGCCGCCGCCTACGACCACTATCTCGGGGCCAAGAGCCGGCCGGC[GC>G]CCTACCCGCTGCCCGGCCTGCGTGGCCACGGCTACCACCCGCACGCGCATCCGCACCACC-3'